The following is an entry in ClinVar:

ClinVar aggregate classification (germline): Likely benign (0 of 4 stars; one submission).

Conditions:
PADI3-related disorder. Also called: PADI3-related condition.

Allele frequency attached by ClinVar (database versions not stated): TOPMed 0.00023; 1000 Genomes Project 30x 0.00031; ESP Exome Variant Server 0.00031; 1000 Genomes Project 0.00040.
gnomAD v4.1: 886 of 1,613,440 alleles (0.055%); highest among the groups gnomAD compares: Admixed American, 0.038%; 5 homozygotes.

Submission:

PreventionGenetics, part of Exact Sciences
Classification: Likely benign for PADI3-related condition. Last evaluated: 2021-01-19. Review status: no assertion criteria provided. Collection method: clinical testing. Allele origin: germline.
Comment: This variant is classified as likely benign based on ACMG/AMP sequence variant interpretation guidelines (Richards et al. 2015 PMID: 25741868, with internal and published modifications).

NM_016233.2(PADI3):c.1189C>T (p.Arg397Cys)

Gene: PADI3 (peptidyl arginine deiminase 3; plus strand). Cytogenetic location: 1p36.13.
Variant type: single nucleotide variant.
Coding change: c.1189C>T on transcript NM_016233.2 (MANE Select); coding-DNA position 1189, C replaced by T.
Protein change: p.Arg397Cys; replaces arginine 397 with cysteine.
Molecular consequence: missense variant.
Genome position (GRCh38, 1-based): chr1:17,274,668, C>T. VCF-style: chr1-17274668-C-T. GRCh37 (hg19) VCF-style: chr1-17601163-C-T.
Other names: short protein forms R397C.
Identifiers: ClinVar variation 3058546 (VCV003058546.2), dbSNP rs139324096, ClinGen allele CA640006.
Genomic context (GRCh38, chr1:17,274,668, plus strand): 5'-CCCGCCTGACTTGGTTTCCCTCTCCAGGGTCCAGATTTTGGTTACGTGACTCGGGAACCA[C>T]GCGACAGGTCTGTGAGTGGCCTGGACTCCTTTGGGAACCTGGAGGTCAGCCCTCCAGTGG-3'
Protein context (NP_057317.2, residues 387-407): PDFGYVTREP[Arg397Cys]DRSVSGLDSF